The following is an entry in ClinVar:

ClinVar aggregate classification (germline): Pathogenic (1 of 4 stars; one submission).

Conditions:
Autosomal recessive Alport syndrome (ATS2). Also called: COL4A4 Alport Syndrome and Thin Basement Membrane Nephropathy; ALPORT SYNDROME 2, AUTOSOMAL RECESSIVE; COL4A3-Related Nephropathy; Alport syndrome type 2. Identifiers: Orphanet 63, Orphanet 88919, MedGen C4746745, MONDO:0008762, OMIM 203780.

Submission:

Centre de Génétique Humaine, Institut de Pathologie Et de Génétique
Classification: Pathogenic for Autosomal recessive Alport syndrome. Last evaluated: 2026-04-09. Review status: criteria provided, single submitter. Criteria: ACMG Guidelines, 2015. Collection method: clinical testing. Allele origin: germline. Inheritance: Autosomal recessive inheritance. Affected: yes. Observed: 1 variant allele, 1 compound heterozygote. Segregation with disease not observed.
Comment: Intragenic deletion of coding region - collagenous domain (4 exons) (2E: 0.9) in a patient with specific phenotype consistent with the gene, but the inheritance of the variant is unknown (5G:0.15)

NM_000092.5:c.(558+1_559-1)_(735+1_736-1)del

Gene: COL4A4 (collagen type IV alpha 4 chain; minus strand).
Variant type: Deletion.
Other names: c.(558+1_559-1)_(735+1_736-1)del (NM_000092.5).
Identifiers: ClinVar variation 4884676 (VCV004884676.1).